The following is an entry in ClinVar:

NM_001384474.1(LOXHD1):c.6005_6006del (p.Phe2002fs)

Gene: LOXHD1 (lipoxygenase homology PLAT domains 1; minus strand). Cytogenetic location: 18q21.1.
Variant type: Deletion.
Coding change: c.6005_6006del on transcript NM_001384474.1 (MANE Select); coding-DNA positions 6005 to 6006, 2 bases deleted (TT; older notation c.6005_6006delTT).
Protein change: p.Phe2002fs; shifts the reading frame from phenylalanine 2002.
Molecular consequence: frameshift variant.
Genome position (GRCh38, 1-based): chr18:46,489,015-46,489,016, AA deleted on the plus strand (TT on the coding strand, the reverse complement: LOXHD1 is on the minus strand); deleting any 2 consecutive bases within chr18:46,489,015-46,489,017 gives the same sequence; the c. name uses the placement nearest the transcript's 3' end. VCF-style (leftmost placement, unchanged base first): chr18-46489014-CAA-C. GRCh37 (hg19) VCF-style: chr18-44068977-CAA-C.
Other names: c.2672_2673del, p.Phe891fs (NM_001145472.3); c.722_723del, p.Phe241fs (NM_001145473.3, NM_001173129.2); c.2384_2385del, p.Phe795fs (NM_001308013.2); c.5819_5820del, p.Phe1940fs (NM_144612.7); short protein forms F1940fs, F2002fs, F241fs, F795fs, F891fs.
Identifiers: ClinVar variation 5015722 (VCV005015722.1).
Genomic context (GRCh38, chr18:46,489,014, plus strand): 5'-ATGATCTCCCCCACATACTGGTCTCTTCCAGCTCATCACAGATCTTGTTGTTGGCACAGG[CAA>C]AGTCGCGGACCGTCTGCCCGTCACCCTCACTCTTGGAGAGCCAGCAGTCACACTGGAAGT-3'

ClinVar aggregate classification (germline): Pathogenic (1 of 4 stars; one submission).

Conditions:
Autosomal recessive nonsyndromic hearing loss 77. Identifiers: Orphanet 90636, MedGen C2746083, MONDO:0013119, OMIM 613079.

Submission:

Myriad Genetics, Inc.
Classification: Pathogenic for Autosomal recessive nonsyndromic hearing loss 77. Last evaluated: 2026-03-24. Review status: criteria provided, single submitter. Criteria: Myriad Autosomal Dominant, Autosomal Recessive and X-Linked Classification Criteria (2023). Collection method: clinical testing. Allele origin: unknown.
Comment: NM_144612.6(LOXHD1):c.5819_5820delTT(F1940Cfs*9) is expected to be pathogenic in the context of nonsyndromic hearing loss, LOXHD1-related. This variant is predicted to lead to an abnormal or absent protein product due to the creation of a premature termination codon in LOXHD1, a gene where loss-of-function variants are known to be pathogenic. Please note: this variant was assessed in the context of healthy population screening.